The following is an entry in ClinVar:

NM_001128228.3(TPRN):c.1671del (p.Tyr558fs)

Gene: TPRN (taperin; minus strand). Cytogenetic location: 9q34.3.
Variant type: Deletion.
Coding change: c.1671del on transcript NM_001128228.3 (MANE Select); coding-DNA position 1671, one base deleted (C; older notation c.1671delC).
Protein change: p.Tyr558fs; shifts the reading frame from tyrosine 558.
Molecular consequence: frameshift variant.
Genome position (GRCh38, 1-based): chr9:137,199,041, G deleted on the plus strand (C on the coding strand, the reverse complement: TPRN is on the minus strand). VCF-style (leftmost placement, unchanged base first): chr9-137199040-AG-A. GRCh37 (hg19) VCF-style: chr9-140093492-AG-A.
Other names: short protein forms Y558fs.
Identifiers: ClinVar variation 4796608 (VCV004796608.1).
Genomic context (GRCh38, chr9:137,199,040, plus strand): 5'-CACTGACCTTCTTTCTTGAGGAGCCAGCCTTGGTGAGGCAGGACTTCTGCAGGGCCAGGT[AG>A]CCGCCAATCACCTCGATCTCATGCACGGTGGGGTAGCGCTTCTTCAACGTGGGCCCCAGG-3'

ClinVar aggregate classification (germline): Pathogenic (1 of 4 stars; one submission).

Conditions:
Autosomal recessive nonsyndromic hearing loss 79. Identifiers: Orphanet 90636, MedGen C2750082, MONDO:0013215, OMIM 613307.

Submission:

Juno Genomics, Hangzhou Juno Genomics, Inc
Classification: Pathogenic for Autosomal recessive nonsyndromic hearing loss 79. Review status: criteria provided, single submitter. Criteria: ACMG Guidelines, 2015. Collection method: clinical testing. Allele origin: germline. Affected: yes.
Comment: Absent from controls (or at extremely low frequency if recessive) in Genome Aggregation Database, Exome Sequencing Project, 1000 Genomes Project, or Exome Aggregation Consortium.;Null variant in a gene where loss of function (LOF) is a known mechanism of disease.;For recessive disorders, detected in trans with a pathogenic variant.